The following is an entry in ClinVar:

ClinVar aggregate classification (germline): Uncertain significance (1 of 4 stars; one submission).

Submission:

Ambry Genetics
Classification: Uncertain significance. Last evaluated: 2023-12-31. Review status: criteria provided, single submitter. Criteria: Ambry Variant Classification Scheme 2023. Collection method: clinical testing. Allele origin: germline.
Comment: The p.A802T variant (also known as c.2404G>A), located in coding exon 13 of the NPAT gene, results from a G to A substitution at nucleotide position 2404. The alanine at codon 802 is replaced by threonine, an amino acid with similar properties. This amino acid position is conserved. In addition, this alteration is predicted to be tolerated by in silico analysis. Since supporting evidence is limited at this time, the clinical significance of this alteration remains unclear.

NM_002519.3(NPAT):c.2404G>A (p.Ala802Thr)

Gene: NPAT (nuclear protein, coactivator of histone transcription; minus strand). Cytogenetic location: 11q22.3.
Variant type: single nucleotide variant.
Coding change: c.2404G>A on transcript NM_002519.3 (MANE Select); coding-DNA position 2404, G replaced by A.
Protein change: p.Ala802Thr; replaces alanine 802 with threonine.
Molecular consequence: missense variant.
Genome position (GRCh38, 1-based): chr11:108,172,580, C>T on the plus strand (G>A on the coding strand, the complement: NPAT is on the minus strand). VCF-style: chr11-108172580-C-T. GRCh37 (hg19) VCF-style: chr11-108043307-C-T.
Other names: c.2404G>A, p.Ala802Thr (NM_001321307.1); short protein forms A802T.
Identifiers: ClinVar variation 3222527 (VCV003222527.1), dbSNP rs2496717374, ClinGen allele CA382513055.